The following is an entry in ClinVar:

ClinVar aggregate classification (germline): Pathogenic (1 of 4 stars; one submission).

Conditions:
Polycystic kidney disease, adult type (PKD1). Also called: Polycystic Kidney Disease 1, Autosomal Dominant; Polycystic kidney disease 1; Polycystic kidney disease 1, severe; POLYCYSTIC KIDNEY DISEASE, ADULT, TYPE I; Polycystic Kidney, Autosomal Dominant; POLYCYSTIC KIDNEY DISEASE 1 WITH OR WITHOUT POLYCYSTIC LIVER DISEASE. Identifiers: MedGen C3149841, MONDO:0008263, OMIM 173900.

Submission:

Women's Health and Genetics/Laboratory Corporation of America, LabCorp
Classification: Pathogenic for Polycystic kidney disease, adult type. Last evaluated: 2025-02-25. Review status: criteria provided, single submitter. Criteria: LabCorp Variant Classification Summary - May 2015. Collection method: clinical testing. Allele origin: germline.
Comment: Variant summary: PKD1 c.8326_8344dup19 (p.Val2782AlafsX46) results in a premature termination codon, predicted to cause a truncation of the encoded protein or absence of the protein due to nonsense mediated decay, which are commonly known mechanisms for disease. The variant was absent in 244554 control chromosomes (gnomAD). To our knowledge, no occurrence of c.8326_8344dup19 in individuals affected with Polycystic Kidney Disease 1 and no experimental evidence demonstrating its impact on protein function have been reported. No submitters have cited clinical-significance assessments for this variant to ClinVar. Based on the evidence outlined above, the variant was classified as pathogenic.

NM_001009944.3(PKD1):c.8326_8344dup (p.Val2782fs)

Gene: PKD1 (polycystin 1, transient receptor potential channel interacting; minus strand). Cytogenetic location: 16p13.3.
Variant type: Duplication.
Coding change: c.8326_8344dup on transcript NM_001009944.3 (MANE Select); coding-DNA positions 8326 to 8344, 19 bases duplicated (CTGGCGGGCGAGGAGATCG).
Protein change: p.Val2782fs; shifts the reading frame from valine 2782.
Molecular consequence: frameshift variant.
Genome position (GRCh38, 1-based): chr16:2,103,713-2,103,731, CGATCTCCTCGCCCGCCAG duplicated on the plus strand (CTGGCGGGCGAGGAGATCG on the coding strand, the reverse complement: PKD1 is on the minus strand); duplicating any 19 consecutive bases within chr16:2,103,713-2,103,733 gives the same sequence; the c. name uses the placement nearest the transcript's 3' end. VCF-style (leftmost placement, unchanged base first): chr16-2103712-A-ACGATCTCCTCGCCCGCCAG. GRCh37 (hg19) VCF-style: chr16-2153713-A-ACGATCTCCTCGCCCGCCAG.
Other names: c.8326_8344dup19 (NM_001009944.3); c.8326_8344dup, p.Val2782fs (NM_000296.4); short protein forms V2782fs.
Identifiers: ClinVar variation 3768832 (VCV003768832.1).